The following is an entry in ClinVar:

NM_004531.5(MOCS2):c.487C>T (p.Pro163Ser)

Gene: MOCS2 (molybdenum cofactor synthesis 2; minus strand). Cytogenetic location: 5q11.2.
Variant type: single nucleotide variant.
Coding change: c.487C>T on transcript NM_004531.5 (MANE Select); coding-DNA position 487, C replaced by T.
Protein change: p.Pro163Ser; replaces proline 163 with serine.
Molecular consequence: missense variant. On other transcripts: 3 prime UTR variant (1).
Genome position (GRCh38, 1-based): chr5:53,100,425, G>A on the plus strand (C>T on the coding strand, the complement: MOCS2 is on the minus strand). VCF-style: chr5-53100425-G-A. GRCh37 (hg19) VCF-style: chr5-52396255-G-A.
Other names: c.*407C>T (NM_176806.4); short protein forms P163S.
Identifiers: ClinVar variation 1502013 (VCV001502013.5), dbSNP rs534504858, ClinGen allele CA118889191.

ClinVar aggregate classification (germline): Uncertain significance (1 of 4 stars; one submission).

Allele frequency attached by ClinVar (database versions not stated): gnomAD exomes below 0.00001 and 0.00001.

Submission:

Labcorp Genetics (formerly Invitae), Labcorp
Classification: Uncertain significance. Last evaluated: 2021-07-14. Review status: criteria provided, single submitter. Criteria: Invitae Variant Classification Sherloc (09022015). Collection method: clinical testing. Allele origin: germline.
Comment: This sequence change replaces proline with serine at codon 163 of the MOCS2B protein (p.Pro163Ser). The proline residue is highly conserved and there is a moderate physicochemical difference between proline and serine. This variant is not present in population databases (ExAC no frequency). This variant has not been reported in the literature in individuals affected with MOCS2B-related conditions. Algorithms developed to predict the effect of missense changes on protein structure and function (SIFT, PolyPhen-2, Align-GVGD) all suggest that this variant is likely to be disruptive. In summary, the available evidence is currently insufficient to determine the role of this variant in disease. Therefore, it has been classified as a Variant of Uncertain Significance.